The following is an entry in ClinVar:

NM_004369.4(COL6A3):c.4087G>A (p.Gly1363Ser)

Gene: COL6A3 (collagen type VI alpha 3 chain; minus strand). Cytogenetic location: 2q37.3.
Variant type: single nucleotide variant.
Coding change: c.4087G>A on transcript NM_004369.4 (MANE Select); coding-DNA position 4087, G replaced by A.
Protein change: p.Gly1363Ser; replaces glycine 1363 with serine.
Molecular consequence: missense variant.
Genome position (GRCh38, 1-based): chr2:237,371,930, C>T on the plus strand (G>A on the coding strand, the complement: COL6A3 is on the minus strand). VCF-style: chr2-237371930-C-T. GRCh37 (hg19) VCF-style: chr2-238280573-C-T.
Other names: c.2866G>A, p.Gly956Ser (NM_057164.5); c.3469G>A, p.Gly1157Ser (NM_057165.5, NM_057167.4); c.2266G>A, p.Gly756Ser (NM_057166.5); short protein forms G956S, G1157S, G756S, G1363S.
Identifiers: ClinVar variation 4751666 (VCV004751666.1).

ClinVar aggregate classification (germline): Uncertain significance (1 of 4 stars; one submission).

Conditions:
Bethlem myopathy 1A. Also called: Bethlem myopathy 1; Bethlem Muscular Dystrophy; MYOPATHY, BENIGN CONGENITAL, WITH CONTRACTURES. Identifiers: Orphanet 610, MedGen CN029274, MONDO:0024530, OMIM 158810.

gnomAD v4.1: 1 of 1,614,076 alleles (0.000062%); highest among the groups gnomAD compares: Admixed American, 0.0017%; no homozygotes.

Submission:

Labcorp Genetics (formerly Invitae), Labcorp
Classification: Uncertain significance for Bethlem myopathy 1A. Last evaluated: 2025-08-20. Review status: criteria provided, single submitter. Criteria: Invitae Variant Classification Sherloc (09022015). Collection method: clinical testing. Allele origin: germline.
Comment: This sequence change replaces glycine, which is neutral and non-polar, with serine, which is neutral and polar, at codon 1363 of the COL6A3 protein (p.Gly1363Ser). This variant is present in population databases (no rsID available, gnomAD 0.003%). This variant has not been reported in the literature in individuals affected with COL6A3-related conditions. Invitae Evidence Modeling of protein sequence and biophysical properties (such as structural, functional, and spatial information, amino acid conservation, physicochemical variation, residue mobility, and thermodynamic stability) indicates that this missense variant is not expected to disrupt COL6A3 protein function with a negative predictive value of 80%. In summary, the available evidence is currently insufficient to determine the role of this variant in disease. Therefore, it has been classified as a Variant of Uncertain Significance.